The following is an entry in ClinVar:

ClinVar aggregate classification (germline): Uncertain significance. Review status: criteria provided, multiple submitters, no conflicts (2 of 4 stars). 2 submissions from 2 submitters: Uncertain significance (2). Last evaluated 2025-05-28.

Conditions:
PCNT-related disorder. Also called: PCNT-related condition.
Inborn genetic diseases. Identifiers: MedGen C0950123, MeSH D030342.

Allele frequency attached by ClinVar (database versions not stated): TOPMed 0.00001.
gnomAD v4.1: 2 of 1,613,736 alleles (0.00012%); no homozygotes.

Submissions (2):

PreventionGenetics, part of Exact Sciences
Classification: Uncertain significance for PCNT-related condition. Last evaluated: 2025-05-28. Review status: criteria provided, single submitter. Criteria: ACMG Guidelines, 2015. Collection method: clinical testing. Allele origin: germline.
Comment: The PCNT c.9470T>G variant is predicted to result in the amino acid substitution p.Leu3157Trp. To our knowledge, this variant has not been reported in the literature or in a large population database (gnomAD), indicating this variant is rare. At this time, the clinical significance of this variant is uncertain due to the absence of conclusive functional and genetic evidence.

Ambry Genetics
Classification: Uncertain significance for Inborn genetic diseases. Last evaluated: 2025-02-18. Review status: criteria provided, single submitter. Criteria: Ambry Variant Classification Scheme 2023. Collection method: clinical testing. Allele origin: germline.

NM_006031.6(PCNT):c.9470T>G (p.Leu3157Trp)

Gene: PCNT (pericentrin; plus strand). Cytogenetic location: 21q22.3.
Variant type: single nucleotide variant.
Coding change: c.9470T>G on transcript NM_006031.6 (MANE Select); coding-DNA position 9470, T replaced by G.
Protein change: p.Leu3157Trp; replaces leucine 3157 with tryptophan.
Molecular consequence: missense variant.
Genome position (GRCh38, 1-based): chr21:46,440,931, T>G. VCF-style: chr21-46440931-T-G. GRCh37 (hg19) VCF-style: chr21-47860844-T-G.
Other names: c.8879T>G, p.Leu2960Trp (NM_001315529.2); short protein forms L2960W, L3157W.
Identifiers: ClinVar variation 2633778 (VCV002633778.3), dbSNP rs1601218544, ClinGen allele CA410577937.